The following is an entry in ClinVar:

ClinVar aggregate classification (germline): Likely benign. Review status: criteria provided, single submitter (1 of 4 stars). 2 submissions from 2 submitters: Likely benign (1). 1 of the submissions does not count toward it. Last evaluated 2024-06-21.

Conditions:
LAMA5-related disorder. Also called: LAMA5-related condition; LAMA5-Related Disorders.

Allele frequency attached by ClinVar (database versions not stated): ExAC 0.00001; gnomAD 0.00001; TOPMed 0.00001.
gnomAD v4.1: 4 of 1,590,178 alleles (0.00025%); highest among the groups gnomAD compares: Admixed American, 0.007%; no homozygotes.

Submissions (2):

Labcorp Genetics (formerly Invitae), Labcorp
Classification: Likely benign. Last evaluated: 2024-06-21. Review status: criteria provided, single submitter. Criteria: Invitae Variant Classification Sherloc (09022015). Collection method: clinical testing. Allele origin: germline.

PreventionGenetics, part of Exact Sciences
Classification: Likely benign for LAMA5-related condition. Last evaluated: 2019-02-18. Review status: no assertion criteria provided. Collection method: clinical testing. Allele origin: germline. Not counted in ClinVar's aggregate classification.
Comment: This variant is classified as likely benign based on ACMG/AMP sequence variant interpretation guidelines (Richards et al. 2015 PMID: 25741868, with internal and published modifications).

NM_005560.6(LAMA5):c.7404G>C (p.Leu2468=)

Gene: LAMA5 (laminin subunit alpha 5; minus strand). Cytogenetic location: 20q13.33.
Variant type: single nucleotide variant.
Coding change: c.7404G>C on transcript NM_005560.6 (MANE Select); coding-DNA position 7404, G replaced by C.
Protein change: p.Leu2468=; no amino-acid change (leucine 2468 retained).
Molecular consequence: synonymous variant.
Genome position (GRCh38, 1-based): chr20:62,317,452, C>G on the plus strand (G>C on the coding strand, the complement: LAMA5 is on the minus strand). VCF-style: chr20-62317452-C-G. GRCh37 (hg19) VCF-style: chr20-60892508-C-G.
Other names: c.7404G>C (NM_005560.4).
Identifiers: ClinVar variation 1981056 (VCV001981056.6), dbSNP rs745401346, ClinGen allele CA9941243.